The following is an entry in ClinVar:

NM_001199165.4(CEP112):c.1707G>T (p.Lys569Asn)

Gene: CEP112 (centrosomal protein 112; minus strand). Cytogenetic location: 17q24.1.
Variant type: single nucleotide variant.
Coding change: c.1707G>T on transcript NM_001199165.4 (MANE Select); coding-DNA position 1707, G replaced by T.
Protein change: p.Lys569Asn; replaces lysine 569 with asparagine.
Molecular consequence: missense variant.
Genome position (GRCh38, 1-based): chr17:66,005,719, C>A on the plus strand (G>T on the coding strand, the complement: CEP112 is on the minus strand). VCF-style: chr17-66005719-C-A. GRCh37 (hg19) VCF-style: chr17-64001837-C-A.
Other names: NM_145036.3:c.1707G>T; c.1581G>T, p.Lys527Asn (NM_001302891.3, NM_001353128.2); c.1707G>T, p.Lys569Asn (NM_001353127.2); c.1710G>T, p.Lys570Asn (NM_001353129.2); short protein forms K569N, K527N, K570N.
Identifiers: ClinVar variation 2214396 (VCV002214396.16), dbSNP rs764946422, ClinGen allele CA8719602.
Genomic context (GRCh38, chr17:66,005,719, plus strand): 5'-TTTAAATCAAATGCATTACAATTTTACTCACTTCAAAGCTTCCTCAAATTTATGAATTTT[C>A]TTTTGAGTATCTTCTTTTCCTTTATCAAGTTCACTCTGCAAGTCATGAGCCTGCCATGAC-3'
Protein context (NP_001186094.1, residues 559-579): ELDKGKEDTQ[Lys569Asn]KIHKFEEALK

ClinVar aggregate classification (germline): Uncertain significance. Review status: criteria provided, multiple submitters, no conflicts (2 of 4 stars). 2 submissions from 2 submitters: Uncertain significance (2). Last evaluated 2024-09-01.

Allele frequency attached by ClinVar (database versions not stated): gnomAD 0.00005; ExAC 0.00007.
gnomAD v4.1: 105 of 1,610,000 alleles (0.0065%); highest among the groups gnomAD compares: Admixed American, 0.0084%; no homozygotes.

Submissions (2):

CeGaT Center for Human Genetics Tuebingen
Classification: Uncertain significance. Last evaluated: 2024-09-01. Review status: criteria provided, single submitter. Criteria: CeGaT Center For Human Genetics Tuebingen Variant Classification Criteria Version 2. Collection method: clinical testing. Allele origin: germline. Affected: yes. Observed: 1 variant allele.
Comment: CEP112: PM2

Ambry Genetics
Classification: Uncertain significance. Last evaluated: 2022-12-05. Review status: criteria provided, single submitter. Criteria: Ambry Variant Classification Scheme 2023. Collection method: clinical testing. Allele origin: germline.